The following is an entry in ClinVar:

ClinVar aggregate classification (germline): Uncertain significance (1 of 4 stars; one submission).

Conditions:
Walker-Warburg congenital muscular dystrophy. Also called: Muscular dystrophy-dystroglycanopathy, type A; Walker-Warburg syndrome. Identifiers: Orphanet 899, MedGen C0265221, MONDO:0000171.

Submission:

Labcorp Genetics (formerly Invitae), Labcorp
Classification: Uncertain significance for Walker-Warburg congenital muscular dystrophy. Last evaluated: 2022-05-02. Review status: criteria provided, single submitter. Criteria: Invitae Variant Classification Sherloc (09022015). Collection method: clinical testing. Allele origin: germline.
Comment: In summary, the available evidence is currently insufficient to determine the role of this variant in disease. Therefore, it has been classified as a Variant of Uncertain Significance. Algorithms developed to predict the effect of missense changes on protein structure and function output the following: SIFT: "Tolerated"; PolyPhen-2: "Benign"; Align-GVGD: "Class C0". The threonine amino acid residue is found in multiple mammalian species, which suggests that this missense change does not adversely affect protein function. This variant has not been reported in the literature in individuals affected with FKRP-related conditions. This variant is not present in population databases (gnomAD no frequency). This sequence change replaces alanine, which is neutral and non-polar, with threonine, which is neutral and polar, at codon 163 of the FKRP protein (p.Ala163Thr).

NM_024301.5(FKRP):c.487G>A (p.Ala163Thr)

Gene: FKRP (fukutin related protein; plus strand). Cytogenetic location: 19q13.32.
Variant type: single nucleotide variant.
Coding change: c.487G>A on transcript NM_024301.5 (MANE Select); coding-DNA position 487, G replaced by A.
Protein change: p.Ala163Thr; replaces alanine 163 with threonine.
Molecular consequence: missense variant.
Genome position (GRCh38, 1-based): chr19:46,755,937, G>A. VCF-style: chr19-46755937-G-A. GRCh37 (hg19) VCF-style: chr19-47259194-G-A.
Other names: c.487G>A, p.Ala163Thr (NM_001039885.3); short protein forms A163T.
Identifiers: ClinVar variation 2133046 (VCV002133046.4), dbSNP rs866352535, ClinGen allele CA309099311.